The following is an entry in ClinVar:

NM_022574.4:c.2181delT

Gene: GIGYF1 (GRB10 interacting GYF protein 1; minus strand).
Variant type: Deletion.
Identifiers: ClinVar variation 4671843 (VCV004671843.1).

ClinVar aggregate classification (germline): Pathogenic (1 of 4 stars; one submission).

Submission:

Ambry Genetics
Classification: Pathogenic. Last evaluated: 2025-10-30. Review status: criteria provided, single submitter. Criteria: Ambry Variant Classification Scheme 2023. Collection method: clinical testing. Allele origin: germline.
Comment: The c.2181delT (p.R728Gfs*12) alteration, located in coding exon 18 of the GIGYF1 gene, consists of a deletion of one nucleotide at position 2181, causing a translational frameshift with a predicted alternate stop codon after 12 amino acids. This alteration is expected to result in loss of function by premature protein truncation or nonsense-mediated mRNA decay. This variant was not reported in population-based cohorts in the Genome Aggregation Database (gnomAD). Based on the available evidence, this alteration is classified as pathogenic.